The following is an entry in ClinVar:

NM_001270366.2(PLPPR3):c.18G>A (p.Glu6=)

Gene: PLPPR3 (phospholipid phosphatase related 3; minus strand). Cytogenetic location: 19p13.3.
Variant type: single nucleotide variant.
Coding change: c.18G>A on transcript NM_001270366.2 (MANE Select); coding-DNA position 18, G replaced by A.
Protein change: p.Glu6=; no amino-acid change (glutamic acid 6 retained).
Molecular consequence: synonymous variant.
Genome position (GRCh38, 1-based): chr19:821,542, C>T on the plus strand (G>A on the coding strand, the complement: PLPPR3 is on the minus strand). VCF-style: chr19-821542-C-T. GRCh37 (hg19) VCF-style: chr19-821542-C-T.
Other names: c.18G>A, p.Glu6= (NM_024888.3).
Identifiers: ClinVar variation 2648868 (VCV002648868.24), dbSNP rs150524534, ClinGen allele CA9025197.
Genomic context (GRCh38, chr19:821,542, plus strand): 5'-CACCTCCACGAAGTAGAAGCAGGGCAGAAGCGTCATGCTGTCCTTCGGGATCTTGTTCTT[C>T]TCCTTGGTGGAGATCATGGTGCCGCGGGCGCCGCAGGCCGTGGCTGGAGGGGAGAAAGCG-3'
Protein context (NP_001257295.1, residues 1-16): MISTK[Glu6=]KNKIPKDSMT

ClinVar aggregate classification (germline): Likely benign (1 of 4 stars; one submission).

Allele frequency attached by ClinVar (database versions not stated): 1000 Genomes Project 30x 0.00016; 1000 Genomes Project 0.00020; ExAC 0.00160; gnomAD 0.00222; TOPMed 0.00242; ESP Exome Variant Server 0.00253; gnomAD exomes 0.00302.
gnomAD v4.1: 4,403 of 1,499,512 alleles (0.29%); highest among the groups gnomAD compares: Middle Eastern, 0.44%; 12 homozygotes.

Submission:

CeGaT Center for Human Genetics Tuebingen
Classification: Likely benign. Last evaluated: 2023-01-01. Review status: criteria provided, single submitter. Criteria: CeGaT Center For Human Genetics Tuebingen Variant Classification Criteria Version 2. Collection method: clinical testing. Allele origin: germline. Affected: yes. Observed: 1 variant allele.
Comment: PLPPR3: BP4, BP7